The following is an entry in ClinVar:

ClinVar aggregate classification (germline): Pathogenic. Review status: criteria provided, single submitter (1 of 4 stars). 2 submissions from 2 submitters: Pathogenic (1). 1 of the submissions does not count toward it. Last evaluated 2024-08-12.

Conditions:
RYR1-related disorder. Also called: RYR1-related condition; RYR1-related disorders. Identifiers: MedGen CN239331.

Submissions (2):

Labcorp Genetics (formerly Invitae), Labcorp
Classification: Pathogenic for RYR1-related disorder. Last evaluated: 2024-08-12. Review status: criteria provided, single submitter. Criteria: Invitae Variant Classification Sherloc (09022015). Collection method: clinical testing. Allele origin: germline.
Comment: This sequence change creates a premature translational stop signal (p.Leu1980Serfs*2) in the RYR1 gene. It is expected to result in an absent or disrupted protein product. Loss-of-function variants in RYR1 are known to be pathogenic (PMID: 23919265, 25960145, 28818389, 30611313). This variant is not present in population databases (gnomAD no frequency). This premature translational stop signal has been observed in individual(s) with autosomal recessive RYR1-related conditions (PMID: 18253926). In at least one individual the data is consistent with being in trans (on the opposite chromosome) from a pathogenic variant. ClinVar contains an entry for this variant (Variation ID: 133153). For these reasons, this variant has been classified as Pathogenic.

RYR1 database
No classification provided. Review status: no classification provided. Collection method: not provided. Allele origin: unknown. Not counted in ClinVar's aggregate classification.

Literature cited by the submitters: PubMed 23919265 (cited by Labcorp Genetics (formerly Invitae), Labcorp); PubMed 25960145 (cited by Labcorp Genetics (formerly Invitae), Labcorp); PubMed 28818389 (cited by Labcorp Genetics (formerly Invitae), Labcorp); PubMed 30611313 (cited by Labcorp Genetics (formerly Invitae), Labcorp); PubMed 18253926 (cited by Labcorp Genetics (formerly Invitae), Labcorp).

NM_000540.3(RYR1):c.5938del (p.Leu1980fs)

Gene: RYR1 (ryanodine receptor 1; plus strand). Cytogenetic location: 19q13.2.
Variant type: Deletion.
Coding change: c.5938del on transcript NM_000540.3 (MANE Select); coding-DNA position 5938, one base deleted (C; older notation c.5938delC).
Protein change: p.Leu1980fs; shifts the reading frame from leucine 1980.
Molecular consequence: frameshift variant.
Genome position (GRCh38, 1-based): chr19:38,490,199, C deleted; the last of 2 consecutive C bases (chr19:38,490,198-38,490,199); deleting either gives the same sequence. VCF-style (leftmost placement, unchanged base first): chr19-38490197-TC-T. GRCh37 (hg19) VCF-style: chr19-38980837-TC-T.
Other names: c.5938del, p.Leu1980fs (NM_001042723.2); c.5938delC (NM_000540.2); short protein forms L1980fs.
Identifiers: ClinVar variation 133153 (VCV000133153.5), dbSNP rs193922786, ClinGen allele CA024545.